The following is an entry in ClinVar:

ClinVar aggregate classification (germline): Conflicting classifications of pathogenicity. Review status: criteria provided, conflicting classifications (1 of 4 stars). 2 submissions from 2 submitters: Uncertain significance (1); Likely benign (1). Last evaluated 2025-11-17.

Conditions:
Multiple endocrine neoplasia, type 1 (MEN1). Also called: MEN I; WERMER SYNDROME; Endocrine adenomatosis multiple; MEN 1; MEA I. Identifiers: Orphanet 652, MedGen C0025267, MeSH D018761, MONDO:0007540, OMIM 131100.
Hereditary cancer-predisposing syndrome. Also called: Neoplastic Syndromes, Hereditary; Tumor predisposition; Hereditary neoplastic syndrome; Hereditary Cancer Syndrome. Identifiers: Orphanet 140162, MedGen C0027672, MeSH D009386, MONDO:0015356.

Allele frequency attached by ClinVar (database versions not stated): gnomAD exomes below 0.00001.

Submissions (2):

Labcorp Genetics (formerly Invitae), Labcorp
Classification: Likely benign for Multiple endocrine neoplasia, type 1. Last evaluated: 2025-11-17. Review status: criteria provided, single submitter. Criteria: Invitae Variant Classification Sherloc (09022015). Collection method: clinical testing. Allele origin: germline.

Ambry Genetics
Classification: Uncertain significance for Hereditary cancer-predisposing syndrome. Last evaluated: 2023-07-05. Review status: criteria provided, single submitter. Criteria: Ambry Variant Classification Scheme 2023. Collection method: clinical testing. Allele origin: germline.
Comment: The p.T344M variant (also known as c.1031C>T), located in coding exon 6 of the MEN1 gene, results from a C to T substitution at nucleotide position 1031. The threonine at codon 344 is replaced by methionine, an amino acid with similar properties. This amino acid position is well conserved in available vertebrate species. In addition, the in silico prediction for this alteration is inconclusive. Since supporting evidence is limited at this time, the clinical significance of this alteration remains unclear.

NM_001370259.2(MEN1):c.1031C>T (p.Thr344Met)

Gene: MEN1 (menin 1; minus strand). Cytogenetic location: 11q13.1.
Variant type: single nucleotide variant.
Coding change: c.1031C>T on transcript NM_001370259.2 (MANE Select); coding-DNA position 1031, C replaced by T.
Protein change: p.Thr344Met; replaces threonine 344 with methionine.
Molecular consequence: missense variant.
Genome position (GRCh38, 1-based): chr11:64,806,250, G>A on the plus strand (C>T on the coding strand, the complement: MEN1 is on the minus strand). VCF-style: chr11-64806250-G-A. GRCh37 (hg19) VCF-style: chr11-64573722-G-A.
Other names: c.926C>T, p.Thr309Met (NM_001370263.2, NM_001370262.2); c.1031C>T, p.Thr344Met (NM_130799.3, NM_001370251.2, NM_001370260.2 and 1 more transcripts); c.1046C>T, p.Thr349Met (NM_130800.3, NM_130801.3, NM_130802.3 and 3 more transcripts); short protein forms T344M, T349M, T309M.
Identifiers: ClinVar variation 527269 (VCV000527269.10), dbSNP rs1259681826, ClinGen allele CA381183208.